The following is an entry in ClinVar:

NM_001012720.2(RGR):c.27T>C (p.Thr9=)

Gene: RGR (retinal G protein coupled receptor; plus strand). Cytogenetic location: 10q23.1.
Variant type: single nucleotide variant.
Coding change: c.27T>C on transcript NM_001012720.2 (MANE Select); coding-DNA position 27, T replaced by C.
Protein change: p.Thr9=; no amino-acid change (threonine 9 retained).
Molecular consequence: synonymous variant.
Genome position (GRCh38, 1-based): chr10:84,245,117, T>C. VCF-style: chr10-84245117-T-C. GRCh37 (hg19) VCF-style: chr10-86004873-T-C.
Other names: c.27T>C, p.Thr9= (NM_001012722.2, NM_002921.4).
Identifiers: ClinVar variation 285754 (VCV000285754.26), dbSNP rs2279227, ClinGen allele CA5581271.
Genomic context (GRCh38, chr10:84,245,117, plus strand): 5'-ACAGCTGGGCCACTGGCAGTGAGGGAGAGTGAGGATGGCAGAGACCAGTGCCCTGCCCAC[T>C]GGCTTCGGGGAGCTCGAGGTGCTGGCTGTGGGGATGGTGCTACTGGTGGAAGGTGAGCCA-3'
Protein context (NP_001012738.1, residues 1-19): MAETSALP[Thr9=]GFGELEVLAV

ClinVar aggregate classification (germline): Benign. Review status: criteria provided, multiple submitters, no conflicts (2 of 4 stars). 8 submissions from 8 submitters: Benign (6). 2 of the submissions do not count toward it. Last evaluated 2026-02-03.

Conditions:
Retinitis pigmentosa (RP). Identifiers: Orphanet 791, MedGen C0035334, MeSH D012174, MONDO:0019200, OMIM 268000. Inheritance: Autosomal dominant, autosomal recessive and X linked inheritance.
Retinitis pigmentosa 44 (RP44). Identifiers: Orphanet 791, MedGen C3151068, MONDO:0013414, OMIM 613769.
Retinal dystrophy. Also called: Inherited retinal dystrophy. Identifiers: Orphanet 71862, MedGen C0854723, MeSH D058499, MONDO:0019118, HP:0000556.

Allele frequency attached by ClinVar (database versions not stated): gnomAD exomes 0.49291 and 0.52595; ExAC 0.53118; gnomAD 0.61246 and 0.62051; ESP Exome Variant Server 0.62056; TOPMed 0.62929; 1000 Genomes Project 0.63359; 1000 Genomes Project 30x 0.64069.
gnomAD v4.1: 814,740 of 1,612,688 alleles (51%); highest among the groups gnomAD compares: African/African-American, 91%; 213,389 homozygotes.

Submissions (8):

Labcorp Genetics (formerly Invitae), Labcorp
Classification: Benign. Last evaluated: 2026-02-03. Review status: criteria provided, single submitter. Criteria: Invitae Variant Classification Sherloc (09022015). Collection method: clinical testing. Allele origin: germline.

Dept Of Ophthalmology, Nagoya University
Classification: Benign for Retinal dystrophy. Last evaluated: 2023-10-01. Review status: criteria provided, single submitter. Criteria: Submitter's publication. Collection method: research. Allele origin: germline. Affected: yes.

Genome-Nilou Lab
Classification: Benign for Retinitis pigmentosa 44. Last evaluated: 2021-11-07. Review status: criteria provided, single submitter. Criteria: ACMG Guidelines, 2015. Collection method: clinical testing. Allele origin: germline. Affected: no.

Illumina Laboratory Services, Illumina
Classification: Benign for Retinitis pigmentosa. Last evaluated: 2018-01-12. Review status: criteria provided, single submitter. Criteria: ICSL Variant Classification Criteria 13 December 2019. Collection method: clinical testing. Allele origin: germline.
Comment: This variant was observed in the ICSL laboratory as part of a predisposition screen in an ostensibly healthy population. It had not been previously curated by ICSL or reported in the Human Gene Mutation Database (HGMD: prior to June 1st, 2018), and was therefore a candidate for classification through an automated scoring system. Utilizing variant allele frequency, disease prevalence and penetrance estimates, and inheritance mode, an automated score was calculated to assess if this variant is too frequent to cause the disease. Based on the score and internal cut-off values, a variant classified as benign is not then subjected to further curation. The score for this variant resulted in a classification of benign for this disease.

Eurofins Ntd Llc (ga)
Classification: Benign. Last evaluated: 2016-01-27. Review status: criteria provided, single submitter. Criteria: EGL Classification Definitions 2015. Collection method: clinical testing. Allele origin: germline. Observed: 38 variant alleles, 22 heterozygotes, 16 homozygotes.

Breakthrough Genomics
Classification: Benign. Review status: criteria provided, single submitter. Criteria: ACMG Guidelines, 2015. Collection method: not provided. Allele origin: germline. Inheritance: Unknown mechanism. Affected: yes.

Diagnostic Laboratory, Department of Genetics, University Medical Center Groningen
Classification: Benign. Review status: no assertion criteria provided. Collection method: clinical testing. Allele origin: germline. Affected: yes. Study: VKGL Data-share Consensus. Not counted in ClinVar's aggregate classification.

Joint Genome Diagnostic Labs from Nijmegen and Maastricht, Radboudumc and MUMC+
Classification: Benign. Review status: no assertion criteria provided. Collection method: clinical testing. Allele origin: germline. Affected: yes. Study: VKGL Data-share Consensus. Not counted in ClinVar's aggregate classification.